The following is an entry in ClinVar:

NM_001127208.3(TET2):c.3225T>G (p.Asp1075Glu)

Genes: TET2 (tet methylcytosine dioxygenase 2; plus strand), TET2-AS1 (TET2 antisense RNA 1; minus strand). Cytogenetic location: 4q24.
Variant type: single nucleotide variant.
Coding change: c.3225T>G on transcript NM_001127208.3 (MANE Select); coding-DNA position 3225, T replaced by G.
Protein change: p.Asp1075Glu; replaces aspartic acid 1075 with glutamic acid.
Molecular consequence: missense variant.
Genome position (GRCh38, 1-based): chr4:105,237,167, T>G. VCF-style: chr4-105237167-T-G. GRCh37 (hg19) VCF-style: chr4-106158324-T-G.
Other names: c.3225T>G, p.Asp1075Glu (NM_017628.4); short protein forms D1075E.
Identifiers: ClinVar variation 5030735 (VCV005030735.1).

ClinVar aggregate classification (germline): Uncertain significance (1 of 4 stars; one submission).

Submission:

Ambry Genetics
Classification: Uncertain significance. Last evaluated: 2026-08-04. Review status: criteria provided, single submitter. Criteria: Ambry Variant Classification Scheme 2023. Collection method: clinical testing. Allele origin: germline.
Comment: The p.D1075E variant (also known as c.3225T>G), located in coding exon 1 of the TET2 gene, results from a T to G substitution at nucleotide position 3225. The aspartic acid at codon 1075 is replaced by glutamic acid, an amino acid with highly similar properties. This amino acid position is conserved. In addition, this alteration is predicted to be tolerated by in silico analysis. Based on the available evidence, the clinical significance of this variant remains unclear.